The following is an entry in ClinVar:

ClinVar aggregate classification (germline): Uncertain significance (1 of 4 stars; one submission).

Submission:

Labcorp Genetics (formerly Invitae), Labcorp
Classification: Uncertain significance. Last evaluated: 2022-07-19. Review status: criteria provided, single submitter. Criteria: Invitae Variant Classification Sherloc (09022015). Collection method: clinical testing. Allele origin: germline.
Comment: In summary, the available evidence is currently insufficient to determine the role of this variant in disease. Therefore, it has been classified as a Variant of Uncertain Significance. Algorithms developed to predict the effect of missense changes on protein structure and function are either unavailable or do not agree on the potential impact of this missense change (SIFT: "Deleterious"; PolyPhen-2: "Probably Damaging"; Align-GVGD: "Class C15"). ClinVar contains an entry for this variant (Variation ID: 1058301). This variant has not been reported in the literature in individuals affected with RBP3-related conditions. This variant is not present in population databases (gnomAD no frequency). This sequence change replaces threonine, which is neutral and polar, with isoleucine, which is neutral and non-polar, at codon 75 of the RBP3 protein (p.Thr75Ile).

NM_002900.3(RBP3):c.224C>T (p.Thr75Ile)

Gene: RBP3 (retinol binding protein 3; plus strand). Cytogenetic location: 10q11.22.
Variant type: single nucleotide variant.
Coding change: c.224C>T on transcript NM_002900.3 (MANE Select); coding-DNA position 224, C replaced by T.
Protein change: p.Thr75Ile; replaces threonine 75 with isoleucine.
Molecular consequence: missense variant.
Genome position (GRCh38, 1-based): chr10:47,348,708, C>T. VCF-style: chr10-47348708-C-T. GRCh37 (hg19) VCF-style: chr10-48390654-G-A.
Other names: short protein forms T75I.
Identifiers: ClinVar variation 1058301 (VCV001058301.9), dbSNP rs2132252243, ClinGen allele CA376664521.
Genomic context (GRCh38, chr10:47,348,708, plus strand): 5'-CCATCAAGAGCCATGAGATTCTGAGCATCTCAGACCCGCAGACGCTGGCCAGTGTGCTGA[C>T]AGCCGGGGTGCAGAGCTCCCTGAACGATCCTCGCCTGGTCATCTCCTATGAGCCCAGCAC-3'
Protein context (NP_002891.1, residues 65-85): SDPQTLASVL[Thr75Ile]AGVQSSLNDP